The following is an entry in ClinVar:

ClinVar aggregate classification (germline): Likely pathogenic (1 of 4 stars; one submission).

Conditions:
Niemann-Pick disease, type B. Also called: Chronic Visceral ASMD (Niemann-Pick Disease Type B; NPD-B). Identifiers: Orphanet 77293, MedGen C0268243, MONDO:0011871, OMIM 607616. Disease mechanism: loss of function.
Niemann-Pick disease, type A. Also called: Infantile Neurovisceral ASMD (Niemann-Pick Disease Type A; NPD-A); SPHINGOMYELIN LIPIDOSIS; SPHINGOMYELINASE DEFICIENCY. Identifiers: Orphanet 77292, MedGen C0268242, MONDO:0009756, OMIM 257200. Disease mechanism: loss of function.

Submission:

Labcorp Genetics (formerly Invitae), Labcorp
Classification: Likely pathogenic for Niemann-Pick disease, type B; Niemann-Pick disease, type A. Last evaluated: 2021-10-15. Review status: criteria provided, single submitter. Criteria: Invitae Variant Classification Sherloc (09022015). Collection method: clinical testing. Allele origin: germline.
Comment: This sequence change replaces aspartic acid with glutamic acid at codon 280 of the SMPD1 protein (p.Asp280Glu). The aspartic acid residue is highly conserved and there is a small physicochemical difference between aspartic acid and glutamic acid. This variant is not present in population databases (ExAC no frequency). This variant has not been reported in the literature in individuals affected with SMPD1-related conditions. Advanced modeling of protein sequence and biophysical properties (such as structural, functional, and spatial information, amino acid conservation, physicochemical variation, residue mobility, and thermodynamic stability) performed at Invitae indicates that this missense variant is expected to disrupt SMPD1 protein function. This variant disrupts the p.Asp280 amino acid residue in SMPD1. Other variant(s) that disrupt this residue have been determined to be pathogenic (PMID: 15877209). This suggests that this residue is clinically significant, and that variants that disrupt this residue are likely to be disease-causing. In summary, the currently available evidence indicates that the variant is pathogenic, but additional data are needed to prove that conclusively. Therefore, this variant has been classified as Likely Pathogenic.

Literature cited by the submitters: PubMed 15877209.

NM_000543.5(SMPD1):c.840C>G (p.Asp280Glu)

Gene: SMPD1 (sphingomyelin phosphodiesterase 1; plus strand). Cytogenetic location: 11p15.4.
Variant type: single nucleotide variant.
Coding change: c.840C>G on transcript NM_000543.5 (MANE Select); coding-DNA position 840, C replaced by G.
Protein change: p.Asp280Glu; replaces aspartic acid 280 with glutamic acid.
Molecular consequence: missense variant. On other transcripts: 5 prime UTR variant (1), non-coding transcript variant (1).
Genome position (GRCh38, 1-based): chr11:6,391,905, C>G. VCF-style: chr11-6391905-C-G. GRCh37 (hg19) VCF-style: chr11-6413135-C-G.
Other names: c.837C>G, p.Asp279Glu (NM_001007593.3); c.840C>G, p.Asp280Glu (NM_001318087.2, NM_001365135.2); c.-122C>G (NM_001318088.2); short protein forms D280E, D279E.
Identifiers: ClinVar variation 1505419 (VCV001505419.6), dbSNP rs2134011919, ClinGen allele CA379371125.